The following is an entry in ClinVar:

ClinVar aggregate classification (germline): Uncertain significance (1 of 4 stars; one submission).

Conditions:
Hereditary cancer-predisposing syndrome. Also called: Neoplastic Syndromes, Hereditary; Tumor predisposition; Hereditary Cancer Syndrome; Hereditary neoplastic syndrome. Identifiers: Orphanet 140162, MedGen C0027672, MeSH D009386, MONDO:0015356.

Submission:

Ambry Genetics
Classification: Uncertain significance for Hereditary cancer-predisposing syndrome. Last evaluated: 2024-11-08. Review status: criteria provided, single submitter. Criteria: Ambry Variant Classification Scheme 2023. Collection method: clinical testing. Allele origin: germline.
Comment: The c.1373delA variant, located in coding exon 10 of the POLD1 gene, results from a deletion of one nucleotide at nucleotide position 1373, causing a translational frameshift with a predicted alternate stop codon (p.D458Afs*20). This alteration is expected to result in loss of function by premature protein truncation or nonsense-mediated mRNA decay. However, loss of function of POLD1 has not been established as a mechanism of disease. Based on the available evidence, the clinical significance of this alteration remains unclear.

NM_002691.4(POLD1):c.1373del (p.Asp458fs)

Gene: POLD1 (DNA polymerase delta 1, catalytic subunit; plus strand). Cytogenetic location: 19q13.33.
Variant type: Deletion.
Coding change: c.1373del on transcript NM_002691.4 (MANE Select); coding-DNA position 1373, one base deleted (A; older notation c.1373delA).
Protein change: p.Asp458fs; shifts the reading frame from aspartic acid 458.
Molecular consequence: frameshift variant. On other transcripts: non-coding transcript variant (1).
Genome position (GRCh38, 1-based): chr19:50,406,312, A deleted. VCF-style (leftmost placement, unchanged base first): chr19-50406311-GA-G. GRCh37 (hg19) VCF-style: chr19-50909568-GA-G.
Other names: c.1373del, p.Asp458fs (NM_001256849.1, NM_001308632.1); short protein forms D458fs.
Identifiers: ClinVar variation 3421980 (VCV003421980.1).